The following is an entry in ClinVar:

NM_020376.4(PNPLA2):c.886A>G (p.Ile296Val)

Gene: PNPLA2 (patatin like domain 2, triacylglycerol lipase; plus strand). Cytogenetic location: 11p15.5.
Variant type: single nucleotide variant.
Coding change: c.886A>G on transcript NM_020376.4 (MANE Select); coding-DNA position 886, A replaced by G.
Protein change: p.Ile296Val; replaces isoleucine 296 with valine.
Molecular consequence: missense variant.
Genome position (GRCh38, 1-based): chr11:823,822, A>G. VCF-style: chr11-823822-A-G. GRCh37 (hg19) VCF-style: chr11-823822-A-G.
Other names: short protein forms I296V.
Identifiers: ClinVar variation 1719106 (VCV001719106.5), dbSNP rs2495562099, ClinGen allele CA378981763.

ClinVar aggregate classification (germline): Uncertain significance (1 of 4 stars; one submission).

Conditions:
Neutral lipid storage myopathy (NLSDM). Also called: NEUTRAL LIPID STORAGE DISEASE WITHOUT ICHTHYOSIS. Identifiers: Orphanet 98908, MedGen C1853136, MONDO:0012545, OMIM 610717.

Submission:

Labcorp Genetics (formerly Invitae), Labcorp
Classification: Uncertain significance for Neutral lipid storage myopathy. Last evaluated: 2025-04-07. Review status: criteria provided, single submitter. Criteria: Invitae Variant Classification Sherloc (09022015). Collection method: clinical testing. Allele origin: germline.
Comment: This sequence change replaces isoleucine, which is neutral and non-polar, with valine, which is neutral and non-polar, at codon 296 of the PNPLA2 protein (p.Ile296Val). This variant is not present in population databases (gnomAD no frequency). This variant has not been reported in the literature in individuals affected with PNPLA2-related conditions. ClinVar contains an entry for this variant (Variation ID: 1719106). Invitae Evidence Modeling of protein sequence and biophysical properties (such as structural, functional, and spatial information, amino acid conservation, physicochemical variation, residue mobility, and thermodynamic stability) indicates that this missense variant is not expected to disrupt PNPLA2 protein function with a negative predictive value of 80%. In summary, the available evidence is currently insufficient to determine the role of this variant in disease. Therefore, it has been classified as a Variant of Uncertain Significance.